The following is an entry in ClinVar:

ClinVar aggregate classification (germline): Likely benign. Review status: criteria provided, multiple submitters, no conflicts (2 of 4 stars). 2 submissions from 2 submitters: Likely benign (2). Last evaluated 2025-11-12.

Conditions:
Dilated cardiomyopathy 1G (CMD1G). Identifiers: Orphanet 154, MedGen C1858763, MONDO:0011400, OMIM 604145.
Autosomal recessive limb-girdle muscular dystrophy type 2J (LGMDR10). Also called: MUSCULAR DYSTROPHY, LIMB-GIRDLE, AUTOSOMAL RECESSIVE 10; Limb-girdle muscular dystrophy, type 2J. Identifiers: Orphanet 140922, MedGen C1837342, MONDO:0012127, OMIM 608807.

Submissions (2):

Labcorp Genetics (formerly Invitae), Labcorp
Classification: Likely benign for Dilated cardiomyopathy 1G; Autosomal recessive limb-girdle muscular dystrophy type 2J. Last evaluated: 2025-11-12. Review status: criteria provided, single submitter. Criteria: Invitae Variant Classification Sherloc (09022015). Collection method: clinical testing. Allele origin: germline.

GeneDx
Classification: Likely benign. Last evaluated: 2018-05-22. Review status: criteria provided, single submitter. Criteria: GeneDx Variant Classification (06012015). Collection method: clinical testing. Allele origin: germline. Affected: yes.
Comment: This variant is considered likely benign or benign based on one or more of the following criteria: it is a conservative change, it occurs at a poorly conserved position in the protein, it is predicted to be benign by multiple in silico algorithms, and/or has population frequency not consistent with disease.

NM_001267550.2(TTN):c.39212-19ATA[2]

Gene: TTN (titin; minus strand). Cytogenetic location: 2q31.2.
Variant type: Microsatellite.
Coding change: c.39212-19ATA[2] on transcript NM_001267550.2 (MANE Select); two copies in a row of the 3-base unit ATA starting at c.39212-19; the reference has three copies in a row; one copy, 3 bases deleted.
Molecular consequence: intron variant.
Genome position (GRCh38, 1-based): chr2:178,652,190-178,652,192, TAT deleted on the plus strand (ATA on the coding strand, the reverse complement: TTN is on the minus strand); deleting any 3 consecutive bases within chr2:178,652,190-178,652,199 gives the same sequence; the position shown is the placement nearest the transcript's 3' end. VCF-style (leftmost placement, unchanged base first): chr2-178652189-ATAT-A. GRCh37 (hg19) VCF-style: chr2-179516916-ATAT-A.
Other names: c.34691-13_34691-11delATA (NM_001256850.1); c.13283-9881ATA[2] (NM_003319.4); c.13859-9881ATA[2] (NM_133437.4); c.13658-9881ATA[2] (NM_133432.3); c.31910-19ATA[2] (NM_133378.4); c.34691-19ATA[2] (NM_001256850.1).
Identifiers: ClinVar variation 668697 (VCV000668697.6), dbSNP rs747377960, ClinGen allele CA1996811.
Genomic context (GRCh38, chr2:178,652,189, plus strand): 5'-TAGCTTCAGGCACCTTCTTTTCTGGGACAGCTACCTTTGGCACCTCTGGGACTTTAAAAG[ATAT>A]TATTATTTTCATTGTTAGACAAAGTAAAGACAAACAAACAATATCAAACACAGCACCATG-3'